The following is an entry in ClinVar:

ClinVar aggregate classification (germline): Uncertain significance (1 of 4 stars; one submission).

Conditions:
Cardiovascular phenotype. Identifiers: MedGen CN230736.

Submission:

Ambry Genetics
Classification: Uncertain significance for Cardiovascular phenotype. Last evaluated: 2026-05-17. Review status: criteria provided, single submitter. Criteria: Ambry Variant Classification Scheme 2023. Collection method: clinical testing. Allele origin: germline.
Comment: The p.F3199V variant (also known as c.9595T>G), located in coding exon 66 of the DMD gene, results from a T to G substitution at nucleotide position 9595. The phenylalanine at codon 3199 is replaced by valine, an amino acid with highly similar properties. This amino acid position is conserved. In addition, this alteration is predicted to be deleterious by in silico analysis. Based on the available evidence, the clinical significance of this variant remains unclear.

NM_004006.3(DMD):c.9595T>G (p.Phe3199Val)

Gene: DMD (dystrophin; minus strand). Cytogenetic location: Xp21.2.
Variant type: single nucleotide variant.
Coding change: c.9595T>G on transcript NM_004006.3 (MANE Select); coding-DNA position 9595, T replaced by G.
Protein change: p.Phe3199Val; replaces phenylalanine 3199 with valine.
Molecular consequence: missense variant.
Genome position (GRCh38, 1-based): chrX:31,206,636, A>C on the plus strand (T>G on the coding strand, the complement: DMD is on the minus strand). VCF-style: chrX-31206636-A-C. GRCh37 (hg19) VCF-style: chrX-31224753-A-C.
Other names: c.391T>G, p.Phe131Val (NM_004017.3, NM_004018.3, NM_004019.3 and 2 more transcripts); c.2215T>G, p.Phe739Val (NM_004020.4, NM_004021.3, NM_004022.3 and 2 more transcripts); c.9571T>G, p.Phe3191Val (NM_000109.4); c.9583T>G, p.Phe3195Val (NM_004009.3); c.9226T>G, p.Phe3076Val (NM_004010.3); c.5572T>G, p.Phe1858Val (NM_004011.4); c.5563T>G, p.Phe1855Val (NM_004012.4); c.1408T>G, p.Phe470Val (NM_004014.3); short protein forms F131V, F1855V, F1858V, F3076V, F3191V, F3195V, F3199V, F470V.
Identifiers: ClinVar variation 4869872 (VCV004869872.1).
Genomic context (GRCh38, chrX:31,206,636, plus strand): 5'-ACTTACATCTGTACTTGTCTTCCAAATGTGCTTTACACAGGGAAATGATGCCAGTTTTAA[A>C]AGACAGGACACGGATCCTCCCTGTTCGTCCCCTATTATGAAGAATCAAAGCAGAAAACAA-3'
Protein context (NP_003997.2, residues 3189-3209): GRTGRIRVLS[Phe3199Val]KTGIISLCKA